The following is an entry in ClinVar:

NM_139057.4(ADAMTS17):c.662_665del (p.Glu221fs)

Gene: ADAMTS17 (ADAM metallopeptidase with thrombospondin type 1 motif 17; minus strand). Cytogenetic location: 15q26.3.
Variant type: Deletion.
Coding change: c.662_665del on transcript NM_139057.4 (MANE Select); coding-DNA positions 662 to 665, 4 bases deleted (AGCG; older notation c.662_665delAGCG).
Protein change: p.Glu221fs; shifts the reading frame from glutamic acid 221.
Molecular consequence: frameshift variant.
Genome position (GRCh38, 1-based): chr15:100,281,353-100,281,356, CGCT deleted on the plus strand (AGCG on the coding strand, the reverse complement: ADAMTS17 is on the minus strand); deleting any 4 consecutive bases within chr15:100,281,353-100,281,357 gives the same sequence; the c. name uses the placement nearest the transcript's 3' end. VCF-style (leftmost placement, unchanged base first): chr15-100281352-CCGCT-C. GRCh37 (hg19) VCF-style: chr15-100821557-CCGCT-C.
Other names: short protein forms E221fs.
Identifiers: ClinVar variation 1687282 (VCV001687282.1), dbSNP rs2142079953, ClinGen allele CA2573150639.

ClinVar aggregate classification (germline): Pathogenic (1 of 4 stars; one submission).

Conditions:
Weill-Marchesani 4 syndrome, recessive. Also called: Weill-Marchesani syndrome 4. Identifiers: Orphanet 363992, MedGen C2750787, MONDO:0013176, OMIM 613195.

Submission:

3billion
Classification: Pathogenic for Weill-Marchesani 4 syndrome, recessive. Last evaluated: 2022-05-22. Review status: criteria provided, single submitter. Criteria: ACMG Guidelines, 2015. Collection method: clinical testing. Allele origin: germline. Affected: yes. Observed: 1 homozygote.
Comment: The variant is not observed in the gnomAD v2.1.1 dataset. Frameshift: predicted to result in a loss or disruption of normal protein function through nonsense-mediated decay (NMD) or protein truncation. Multiple pathogenic variants are reported downstream of the variant. Patient's phenotype is considred compatible with ADMTS17 related disorder. Therefore, this variant is classified as pathogenic according to the recommendation of ACMG/AMP guideline.